The following is an entry in ClinVar:

ClinVar aggregate classification (germline): Uncertain significance. Review status: criteria provided, multiple submitters, no conflicts (2 of 4 stars). 4 submissions from 4 submitters: Uncertain significance (3). 1 of the submissions does not count toward it. Last evaluated 2026-08-07.

Conditions:
PTPRQ-related disorder. Also called: PTPRQ-related condition.

Allele frequency attached by ClinVar (database versions not stated): gnomAD 0.00047; TOPMed 0.00054; ExAC 0.00062.
gnomAD v4.1: 616 of 1,412,408 alleles (0.044%); highest among the groups gnomAD compares: Middle Eastern, 0.1%; 1 homozygote.

Submissions (5):

GeneDx
Classification: Uncertain significance. Last evaluated: 2026-08-07. Review status: criteria provided, single submitter. Criteria: GeneDx Variant Classification Process June 2021. Collection method: clinical testing. Allele origin: germline.
Comment: In silico analysis supports that this missense variant has a deleterious effect on protein structure/function; Has not been previously published as pathogenic or benign to our knowledge; This variant is associated with the following publications: (PMID: 31275557)

CeGaT Center for Human Genetics Tuebingen
Classification: Uncertain significance. Last evaluated: 2026-05-01. Review status: criteria provided, single submitter. Criteria: CeGaT Center For Human Genetics Tuebingen Variant Classification Criteria Version 2. Collection method: clinical testing. Allele origin: germline. Affected: yes. Observed: 1 variant allele.
Comment: PTPRQ: PM2:Supporting

Blueprint Genetics
Classification: Uncertain significance. Last evaluated: 2024-10-09. Review status: criteria provided, single submitter. Criteria: ACMG Guidelines, 2015. Collection method: clinical testing. Allele origin: germline.

PreventionGenetics, part of Exact Sciences
Classification: Likely benign for PTPRQ-related condition. Last evaluated: 2023-12-08. Review status: no assertion criteria provided. Collection method: clinical testing. Allele origin: germline. Not counted in ClinVar's aggregate classification.
Comment: This variant is classified as likely benign based on ACMG/AMP sequence variant interpretation guidelines (Richards et al. 2015 PMID: 25741868, with internal and published modifications).

Dr. Peter K. Rogan Lab, Western University
No classification provided (evidence only). Condition: Ovarian serous cystadenocarcinoma. Review status: no classification provided. Collection method: in vitro. Allele origin: not applicable. Functional consequence: retained intron. Not counted in ClinVar's aggregate classification.

NM_001145026.2(PTPRQ):c.6116A>G (p.Tyr2039Cys)

Gene: PTPRQ (protein tyrosine phosphatase receptor type Q; plus strand). Cytogenetic location: 12q21.31.
Variant type: single nucleotide variant.
Coding change: c.6116A>G on transcript NM_001145026.2 (MANE Select); coding-DNA position 6116, A replaced by G.
Protein change: p.Tyr2039Cys; replaces tyrosine 2039 with cysteine.
Molecular consequence: missense variant.
Genome position (GRCh38, 1-based): chr12:80,657,985, A>G. VCF-style: chr12-80657985-A-G. GRCh37 (hg19) VCF-style: chr12-81051764-A-G.
Other names: NC_000012.11:g.81051764A>G; short protein forms Y2039C.
Identifiers: ClinVar variation 2572749 (VCV002572749.11), dbSNP rs201859718, ClinGen allele CA6702922.